The following is an entry in ClinVar:

NM_000075.4(CDK4):c.694_706dup (p.Asp236fs)

Genes: TSPAN31 (tetraspanin 31; plus strand), CDK4 (cyclin dependent kinase 4; minus strand). Cytogenetic location: 12q14.1.
Variant type: Duplication.
Coding change: c.694_706dup on transcript NM_000075.4 (MANE Select); coding-DNA positions 694 to 706, 13 bases duplicated (CTGCCTCCAGAGG).
Protein change: p.Asp236fs; shifts the reading frame from aspartic acid 236.
Molecular consequence: frameshift variant. On other transcripts: 3 prime UTR variant (3).
Genome position (GRCh38, 1-based): chr12:57,749,295-57,749,307, CCTCTGGAGGCAG duplicated on the plus strand (CTGCCTCCAGAGG on the coding strand, the reverse complement: CDK4 is on the minus strand); duplicating any 13 consecutive bases within chr12:57,749,295-57,749,309 gives the same sequence; the c. name uses the placement nearest the transcript's 3' end. VCF-style (leftmost placement, unchanged base first): chr12-57749294-T-TCCTCTGGAGGCAG. GRCh37 (hg19) VCF-style: chr12-58143077-T-TCCTCTGGAGGCAG.
Other names: c.*2007_*2019dup (NM_001330168.2, NM_001330169.2, NM_005981.5); short protein forms D236fs.
Identifiers: ClinVar variation 2603199 (VCV002603199.4), dbSNP rs2540896304, ClinGen allele CA2582341788.

ClinVar aggregate classification (germline): Uncertain significance. Review status: criteria provided, multiple submitters, no conflicts (2 of 4 stars). 2 submissions from 2 submitters: Uncertain significance (2). Last evaluated 2024-07-03.

Conditions:
Familial melanoma. Also called: Hereditary melanoma; Hereditary cutaneous melanoma. Identifiers: Orphanet 618, MedGen C1512419, MONDO:0018961.
Hereditary cancer-predisposing syndrome. Also called: Tumor predisposition; Hereditary Cancer Syndrome; Hereditary neoplastic syndrome; Neoplastic Syndromes, Hereditary. Identifiers: Orphanet 140162, MedGen C0027672, MeSH D009386, MONDO:0015356.

Submissions (2):

Labcorp Genetics (formerly Invitae), Labcorp
Classification: Uncertain significance for Familial melanoma. Last evaluated: 2024-07-03. Review status: criteria provided, single submitter. Criteria: Invitae Variant Classification Sherloc (09022015). Collection method: clinical testing. Allele origin: germline.
Comment: This sequence change creates a premature translational stop signal (p.Asp236Alafs*6) in the CDK4 gene. It is expected to result in an absent or disrupted protein product. However, the current clinical and genetic evidence is not sufficient to establish whether loss-of-function variants in CDK4 cause disease. This variant is not present in population databases (gnomAD no frequency). This variant has not been reported in the literature in individuals affected with CDK4-related conditions. ClinVar contains an entry for this variant (Variation ID: 2603199). In summary, the available evidence is currently insufficient to determine the role of this variant in disease. Therefore, it has been classified as a Variant of Uncertain Significance.

Ambry Genetics
Classification: Uncertain significance for Hereditary cancer-predisposing syndrome. Last evaluated: 2023-07-24. Review status: criteria provided, single submitter. Criteria: Ambry Variant Classification Scheme 2023. Collection method: clinical testing. Allele origin: germline.
Comment: The c.694_706dup13 variant, located in coding exon 6 of the CDK4 gene, results from a duplication of 13 nucleotides (CTGCCTCCAGAGG) at nucleotide positions 694 to 706, causing a translational frameshift with a predicted alternate stop codon (p.D236Afs*6). This variant is considered to be rare based on population cohorts in the Genome Aggregation Database (gnomAD). This alteration is expected to result in protein truncation or nonsense-mediated mRNA decay. However, loss of function of CDK4 has not been established as a mechanism of disease. Since supporting evidence is limited at this time, the clinical significance of this alteration remains unclear.